The following is an entry in ClinVar:

NM_018060.4(IARS2):c.2603C>G (p.Ser868Cys)

Gene: IARS2 (isoleucyl-tRNA synthetase 2, mitochondrial; plus strand). Cytogenetic location: 1q41.
Variant type: single nucleotide variant.
Coding change: c.2603C>G on transcript NM_018060.4 (MANE Select); coding-DNA position 2603, C replaced by G.
Protein change: p.Ser868Cys; replaces serine 868 with cysteine.
Molecular consequence: missense variant.
Genome position (GRCh38, 1-based): chr1:220,142,986, C>G. VCF-style: chr1-220142986-C-G. GRCh37 (hg19) VCF-style: chr1-220316328-C-G.
Other names: short protein forms S868C.
Identifiers: ClinVar variation 4760013 (VCV004760013.1).

ClinVar aggregate classification (germline): Uncertain significance (1 of 4 stars; one submission).

gnomAD v4.1: 2 of 1,614,058 alleles (0.00012%); highest among the groups gnomAD compares: Non-Finnish European, 0.00017%; no homozygotes.

Submission:

Labcorp Genetics (formerly Invitae), Labcorp
Classification: Uncertain significance. Last evaluated: 2025-04-10. Review status: criteria provided, single submitter. Criteria: Invitae Variant Classification Sherloc (09022015). Collection method: clinical testing. Allele origin: germline.
Comment: This sequence change replaces serine, which is neutral and polar, with cysteine, which is neutral and slightly polar, at codon 868 of the IARS2 protein (p.Ser868Cys). This variant is not present in population databases (gnomAD no frequency). This variant has not been reported in the literature in individuals affected with IARS2-related conditions. An algorithm developed to predict the effect of missense changes on protein structure and function (PolyPhen-2) suggests that this variant is likely to be disruptive. In summary, the available evidence is currently insufficient to determine the role of this variant in disease. Therefore, it has been classified as a Variant of Uncertain Significance.